The following is an entry in ClinVar:

ClinVar aggregate classification (germline): Uncertain significance. Review status: criteria provided, multiple submitters, no conflicts (2 of 4 stars). 4 submissions from 4 submitters: Uncertain significance (4). Last evaluated 2025-05-11.

Allele frequency attached by ClinVar (database versions not stated): ExAC 0.00002; gnomAD 0.00003 and 0.00004; gnomAD exomes 0.00003; TOPMed 0.00003.

Submissions (4):

Labcorp Genetics (formerly Invitae), Labcorp
Classification: Uncertain significance. Last evaluated: 2025-05-11. Review status: criteria provided, single submitter. Criteria: Invitae Variant Classification Sherloc (09022015). Collection method: clinical testing. Allele origin: germline.
Comment: This sequence change replaces arginine, which is basic and polar, with cysteine, which is neutral and slightly polar, at codon 433 of the HK1 protein (p.Arg433Cys). This variant is present in population databases (rs768316984, gnomAD 0.03%). This variant has not been reported in the literature in individuals affected with HK1-related conditions. ClinVar contains an entry for this variant (Variation ID: 1057745). Invitae Evidence Modeling of protein sequence and biophysical properties (such as structural, functional, and spatial information, amino acid conservation, physicochemical variation, residue mobility, and thermodynamic stability) indicates that this missense variant is not expected to disrupt HK1 protein function with a negative predictive value of 80%. In summary, the available evidence is currently insufficient to determine the role of this variant in disease. Therefore, it has been classified as a Variant of Uncertain Significance.

Revvity Omics, Revvity
Classification: Uncertain significance. Last evaluated: 2024-04-01. Review status: criteria provided, single submitter. Criteria: ACMG Guidelines, 2015. Collection method: clinical testing. Allele origin: germline.

CeGaT Center for Human Genetics Tuebingen
Classification: Uncertain significance. Last evaluated: 2023-10-01. Review status: criteria provided, single submitter. Criteria: CeGaT Center For Human Genetics Tuebingen Variant Classification Criteria Version 2. Collection method: clinical testing. Allele origin: germline. Affected: yes. Observed: 1 variant allele.
Comment: HK1: PM2

Blueprint Genetics
Classification: Uncertain significance. Last evaluated: 2019-11-26. Review status: criteria provided, single submitter. Criteria: ACMG Guidelines, 2015. Collection method: clinical testing. Allele origin: germline.

NM_000188.3(HK1):c.1297C>T (p.Arg433Cys)

Gene: HK1 (hexokinase 1; plus strand). Cytogenetic location: 10q22.1.
Variant type: single nucleotide variant.
Coding change: c.1297C>T on transcript NM_000188.3 (MANE Select); coding-DNA position 1297, C replaced by T.
Protein change: p.Arg433Cys; replaces arginine 433 with cysteine.
Molecular consequence: missense variant.
Genome position (GRCh38, 1-based): chr10:69,382,518, C>T. VCF-style: chr10-69382518-C-T. GRCh37 (hg19) VCF-style: chr10-71142274-C-T.
Other names: c.1297C>T (NM_000188.2); c.1309C>T, p.Arg437Cys (NM_001322364.2, NM_001358263.1, NM_033497.3 and 1 more transcripts); c.1402C>T, p.Arg468Cys (NM_001322365.2); c.1213C>T, p.Arg405Cys (NM_001322366.1); c.1201C>T, p.Arg401Cys (NM_001322367.1); c.1294C>T, p.Arg432Cys (NM_033496.3); c.1261C>T, p.Arg421Cys (NM_033500.2); short protein forms R401C, R405C, R421C, R432C, R433C, R437C, R468C.
Identifiers: ClinVar variation 1057745 (VCV001057745.34), dbSNP rs768316984, ClinGen allele CA5532574.
Genomic context (GRCh38, chr10:69,382,518, plus strand): 5'-TTGTGGAATGTCCCCCCTGCCCCCATAAGGTATTCCCGGCGTTTCCACAAGACTCTAAGG[C>T]GCTTGGTGCCAGACTCCGATGTGCGCTTCCTCCTCTCGGAGAGTGGCAGCGGCAAGGGGG-3'
Protein context (NP_000179.2, residues 423-443): YSRRFHKTLR[Arg433Cys]LVPDSDVRFL